The following is an entry in ClinVar:

ClinVar aggregate classification (germline): Uncertain significance (1 of 4 stars; one submission).

Conditions:
Microcephaly and chorioretinopathy 2. Also called: Microcephaly and chorioretinopathy, autosomal recessive, 2. Identifiers: Orphanet 808, MedGen C4015388, MONDO:0014516, OMIM 616171.

Submission:

3billion
Classification: Uncertain significance for Microcephaly and chorioretinopathy 2. Last evaluated: 2025-10-25. Review status: criteria provided, single submitter. Criteria: ACMG Guidelines, 2015. Collection method: clinical testing. Allele origin: germline. Affected: yes.
Comment: The variant is not observed in the gnomAD v4.1.0 dataset. Predicted Consequence/Location: Missense variant. The majority of the known disease-causing variants of this gene are variants expected to result in premature termination of the protein. Damaging effect on gene or gene product predicted by in silico programs is uncertain [REVEL: 0.41 (damaging >=0.6, benign <0.4), 3Cnet: 0.00 (damaging >0.75, benign <0.1)]. Therefore, this variant is classified as VUS according to the recommendation of ACMG/AMP guideline.

NM_014264.5(PLK4):c.159G>A (p.Met53Ile)

Gene: PLK4 (polo like kinase 4; plus strand). Cytogenetic location: 4q28.1.
Variant type: single nucleotide variant.
Coding change: c.159G>A on transcript NM_014264.5 (MANE Select); coding-DNA position 159, G replaced by A.
Protein change: p.Met53Ile; replaces methionine 53 with isoleucine.
Molecular consequence: missense variant. On other transcripts: 5 prime UTR variant (1), intron variant (2).
Genome position (GRCh38, 1-based): chr4:127,883,294, G>A. VCF-style: chr4-127883294-G-A. GRCh37 (hg19) VCF-style: chr4-128804449-G-A.
Other names: c.36G>A, p.Met12Ile (NM_001190801.2, NM_001441366.1); c.162G>A, p.Met54Ile (NM_001441357.1, NM_001441358.1); c.159G>A, p.Met53Ile (NM_001441359.1, NM_001441362.1, NM_001441369.1 and 1 more transcripts); c.18G>A, p.Met6Ile (NM_001441360.1, NM_001441367.1); c.-93G>A (NM_001441368.1); c.127-145G>A (NM_001190799.2, NM_001441361.1); short protein forms M12I, M53I, M54I, M6I.
Identifiers: ClinVar variation 4856222 (VCV004856222.1).
Genomic context (GRCh38, chr4:127,883,294, plus strand): 5'-TGTCAACATTTAAACCTGTTATTTTTAGATAGATAAGAAAGCCATGTACAAAGCAGGAAT[G>A]GTACAGAGAGTCCAAAATGAGGTGAAAATACATTGCCAATTGAAACATCCTTCTATCTTG-3'
Protein context (NP_055079.3, residues 43-63): IDKKAMYKAG[Met53Ile]VQRVQNEVKI